The following is an entry in ClinVar:

ClinVar aggregate classification (germline): Likely benign (1 of 4 stars; one submission).

Conditions:
TXNL4A-related disorder. Also called: TXNL4A-related condition.

Submission:

PreventionGenetics, part of Exact Sciences
Classification: Likely benign for TXNL4A-related condition. Last evaluated: 2026-06-27. Review status: criteria provided, single submitter. Criteria: ACMG Guidelines, 2015. Collection method: clinical testing. Allele origin: germline.
Comment: This variant is classified as likely benign based on ACMG/AMP sequence variant interpretation guidelines (Richards et al. 2015 PMID: 25741868, with internal and published modifications).

NM_006701.4(TXNL4A):c.-187C>T

Genes: TXNL4A (thioredoxin like 4A; minus strand), LOC130062794 (ATAC-STARR-seq lymphoblastoid silent region 9585; plus strand). Cytogenetic location: 18q23.
Variant type: single nucleotide variant.
Coding change: c.-187C>T on transcript NM_006701.4; 187 bases upstream of the start codon, C replaced by T.
Molecular consequence: intron variant (on NM_001305564.2).
Genome position (GRCh38, 1-based): chr18:79,988,579, G>A on the plus strand (C>T on the coding strand, the complement: TXNL4A is on the minus strand). VCF-style: chr18-79988579-G-A. GRCh37 (hg19) VCF-style: chr18-77748579-G-A.
Other names: c.-60-10878C>T (NM_001305564.2, NM_001305563.2).
Identifiers: ClinVar variation 4980645 (VCV004980645.1).